The following is an entry in ClinVar:

ClinVar aggregate classification (germline): Uncertain significance (1 of 4 stars; one submission).

Conditions:
Congenital myasthenic syndrome 8. Also called: Myasthenic syndrome, congenital, 8, with pre- and postsynaptic defects; MYASTHENIC SYNDROME, CONGENITAL, DUE TO AGRIN DEFICIENCY. Identifiers: Orphanet 590, MedGen C3808739, MONDO:0014052, OMIM 615120.

Allele frequency attached by ClinVar (database versions not stated): TOPMed below 0.00001.
gnomAD v4.1: 2 of 1,541,964 alleles (0.00013%); highest among the groups gnomAD compares: Non-Finnish European, 0.000087%; no homozygotes.

Submission:

Labcorp Genetics (formerly Invitae), Labcorp
Classification: Uncertain significance for Congenital myasthenic syndrome 8. Last evaluated: 2022-06-20. Review status: criteria provided, single submitter. Criteria: Invitae Variant Classification Sherloc (09022015). Collection method: clinical testing. Allele origin: germline.
Comment: This sequence change replaces aspartic acid, which is acidic and polar, with asparagine, which is neutral and polar, at codon 314 of the AGRN protein (p.Asp314Asn). This variant is not present in population databases (gnomAD no frequency). In summary, the available evidence is currently insufficient to determine the role of this variant in disease. Therefore, it has been classified as a Variant of Uncertain Significance. Algorithms developed to predict the effect of missense changes on protein structure and function output the following: SIFT: "Tolerated"; PolyPhen-2: "Possibly Damaging"; Align-GVGD: "Class C0". The asparagine amino acid residue is found in multiple mammalian species, which suggests that this missense change does not adversely affect protein function. ClinVar contains an entry for this variant (Variation ID: 1056450). This variant has not been reported in the literature in individuals affected with AGRN-related conditions.

NM_198576.4(AGRN):c.940G>A (p.Asp314Asn)

Gene: AGRN (agrin; plus strand). Cytogenetic location: 1p36.33.
Variant type: single nucleotide variant.
Coding change: c.940G>A on transcript NM_198576.4 (MANE Select); coding-DNA position 940, G replaced by A.
Protein change: p.Asp314Asn; replaces aspartic acid 314 with asparagine.
Molecular consequence: missense variant.
Genome position (GRCh38, 1-based): chr1:1,041,385, G>A. VCF-style: chr1-1041385-G-A. GRCh37 (hg19) VCF-style: chr1-976765-G-A.
Other names: c.940G>A, p.Asp314Asn (NM_001305275.2); c.625G>A, p.Asp209Asn (NM_001364727.2); short protein forms D209N, D314N.
Identifiers: ClinVar variation 1056450 (VCV001056450.9), dbSNP rs756357739, ClinGen allele CA337825220.
Genomic context (GRCh38, chr1:1,041,385, plus strand): 5'-GGCGAGTGCCAGCTCCTGCGCCGCGCCTGCGCCCGCCAGGAGAATGTCTTCAAGAAGTTC[G>A]ACGGCCCTTGTGGTGAGCGCGGCGGCGGGCGCACGGCTCGAGCTCTGTGGGCGCGCGGCG-3'
Protein context (NP_940978.2, residues 304-324): ARQENVFKKF[Asp314Asn]GPCDPCQGAL